The following is an entry in ClinVar:

ClinVar aggregate classification (germline): Uncertain significance. Review status: criteria provided, multiple submitters, no conflicts (2 of 4 stars). 2 submissions from 2 submitters: Uncertain significance (2). Last evaluated 2024-01-24.

Conditions:
Joubert syndrome. Also called: JOUBERT-BOLTSHAUSER SYNDROME; Familial aplasia of the vermis. Identifiers: Orphanet 475, MedGen C5979921, MONDO:0018772.

Allele frequency attached by ClinVar (database versions not stated): gnomAD below 0.00001 and 0.00001; ExAC 0.00002.
gnomAD v4.1: 25 of 1,611,690 alleles (0.0016%); highest among the groups gnomAD compares: South Asian, 0.026%; 1 homozygote.

Submissions (2):

Blueprint Genetics
Classification: Uncertain significance. Last evaluated: 2024-01-24. Review status: criteria provided, single submitter. Criteria: ACMG Guidelines, 2015. Collection method: clinical testing. Allele origin: germline.

Labcorp Genetics (formerly Invitae), Labcorp
Classification: Uncertain significance for Joubert syndrome. Last evaluated: 2022-07-12. Review status: criteria provided, single submitter. Criteria: Invitae Variant Classification Sherloc (09022015). Collection method: clinical testing. Allele origin: germline.
Comment: This sequence change replaces aspartic acid, which is acidic and polar, with alanine, which is neutral and non-polar, at codon 218 of the INPP5E protein (p.Asp218Ala). In summary, the available evidence is currently insufficient to determine the role of this variant in disease. Therefore, it has been classified as a Variant of Uncertain Significance. Algorithms developed to predict the effect of missense changes on protein structure and function are either unavailable or do not agree on the potential impact of this missense change (SIFT: "Deleterious"; PolyPhen-2: "Possibly Damaging"; Align-GVGD: "Class C0"). ClinVar contains an entry for this variant (Variation ID: 934344). This variant has not been reported in the literature in individuals affected with INPP5E-related conditions. This variant is present in population databases (rs753519048, gnomAD 0.02%).

NM_019892.6(INPP5E):c.653A>C (p.Asp218Ala)

Gene: INPP5E (inositol polyphosphate-5-phosphatase E; minus strand). Cytogenetic location: 9q34.3.
Variant type: single nucleotide variant.
Coding change: c.653A>C on transcript NM_019892.6 (MANE Select); coding-DNA position 653, A replaced by C.
Protein change: p.Asp218Ala; replaces aspartic acid 218 with alanine.
Molecular consequence: missense variant.
Genome position (GRCh38, 1-based): chr9:136,438,767, T>G on the plus strand (A>C on the coding strand, the complement: INPP5E is on the minus strand). VCF-style: chr9-136438767-T-G. GRCh37 (hg19) VCF-style: chr9-139333219-T-G.
Other names: c.653A>C, p.Asp218Ala (NM_001318502.2); short protein forms D218A.
Identifiers: ClinVar variation 934344 (VCV000934344.11), dbSNP rs753519048, ClinGen allele CA5337113.